The following is an entry in ClinVar:

ClinVar aggregate classification (germline): Benign/Likely benign. Review status: criteria provided, multiple submitters, no conflicts (2 of 4 stars). 3 submissions from 3 submitters: Benign (2); Likely benign (1). Last evaluated 2026-06-03.

Allele frequency attached by ClinVar (database versions not stated): gnomAD exomes 0.00087; ExAC 0.00110; gnomAD 0.00362 and 0.00394; ESP Exome Variant Server 0.00384; 1000 Genomes Project 0.00419; TOPMed 0.00420; 1000 Genomes Project 30x 0.00515.
gnomAD v4.1: 1,080 of 1,614,000 alleles (0.067%); highest among the groups gnomAD compares: African/African-American, 1.3%; 8 homozygotes.

Submissions (3):

Women's Health and Genetics/Laboratory Corporation of America, LabCorp
Classification: Likely benign. Last evaluated: 2026-06-03. Review status: criteria provided, single submitter. Criteria: LabCorp Variant Classification Summary - May 2015. Collection method: clinical testing. Allele origin: germline.
Comment: Variant summary: LOXL3 c.1061G>A (p.Arg354Gln) results in a conservative amino acid change in the encoded protein sequence. Algorithms developed to predict the effect of missense changes on protein structure and function all suggest that this variant is likely to be tolerated. The variant allele was found at a frequency of 0.00087 in 251048 control chromosomes, predominantly at a frequency of 0.012 within the African or African-American subpopulation in the gnomAD database, including 1 homozygotes. The observed variant frequency within African or African-American control individuals in the gnomAD database exceeds the estimated maximal expected allele frequency for disease-causing variants in LOXL3. To our knowledge, no occurrence of c.1061G>A in individuals affected with LOXL3-related conditions and no experimental evidence demonstrating its impact on protein function have been reported. ClinVar contains an entry for this variant (Variation ID: 784987). Based on the evidence outlined above, the variant was classified as likely benign.

Labcorp Genetics (formerly Invitae), Labcorp
Classification: Benign. Last evaluated: 2026-01-28. Review status: criteria provided, single submitter. Criteria: Invitae Variant Classification Sherloc (09022015). Collection method: clinical testing. Allele origin: germline.

Breakthrough Genomics
Classification: Benign. Review status: criteria provided, single submitter. Criteria: ACMG Guidelines, 2015. Collection method: not provided. Allele origin: germline. Inheritance: Autosomal recessive inheritance. Affected: yes.

NM_032603.5(LOXL3):c.1061G>A (p.Arg354Gln)

Gene: LOXL3 (lysyl oxidase like 3; minus strand). Cytogenetic location: 2p13.1.
Variant type: single nucleotide variant.
Coding change: c.1061G>A on transcript NM_032603.5 (MANE Select); coding-DNA position 1061, G replaced by A.
Protein change: p.Arg354Gln; replaces arginine 354 with glutamine.
Molecular consequence: missense variant. On other transcripts: 5 prime UTR variant (1).
Genome position (GRCh38, 1-based): chr2:74,536,323, C>T on the plus strand (G>A on the coding strand, the complement: LOXL3 is on the minus strand). VCF-style: chr2-74536323-C-T. GRCh37 (hg19) VCF-style: chr2-74763450-C-T.
Other names: c.626G>A, p.Arg209Gln (NM_001289164.3); c.-23G>A (NM_001289165.2); short protein forms R354Q, R209Q.
Identifiers: ClinVar variation 784987 (VCV000784987.11), dbSNP rs77262790, ClinGen allele CA1728996.